The following is an entry in ClinVar:

ClinVar aggregate classification (germline): Uncertain significance (1 of 4 stars; one submission).

Submission:

Labcorp Genetics (formerly Invitae), Labcorp
Classification: Uncertain significance. Last evaluated: 2022-09-24. Review status: criteria provided, single submitter. Criteria: Invitae Variant Classification Sherloc (09022015). Collection method: clinical testing. Allele origin: germline.
Comment: This variant results in a copy number gain of the genomic region encompassing exon(s) 21-22 of the PCLO gene. While the exact position of this variant cannot be determined from the data, sub-genic copy number gains are generally in tandem (PMID: 25640679). This variant is predicted to be in-frame, and likely preserves the integrity of the reading frame. This variant has not been reported in the literature in individuals affected with PCLO-related conditions. Experimental studies and prediction algorithms are not available or were not evaluated, and the functional significance of this variant is currently unknown. In summary, the available evidence is currently insufficient to determine the role of this variant in disease. Therefore, it has been classified as a Variant of Uncertain Significance.

Literature cited by the submitters: PubMed 25640679.

NC_000007.13:g.(?_82430814)_(82435165_?)dup

Gene: PCLO (piccolo presynaptic cytomatrix protein; minus strand). Cytogenetic location: 7q21.11.
Variant type: Duplication.
Identifiers: ClinVar variation 1449706 (VCV001449706.4).